The following is an entry in ClinVar:

NM_020297.4(ABCC9):c.2092+5G>A

Gene: ABCC9 (ATP binding cassette subfamily C member 9; minus strand). Cytogenetic location: 12p12.1.
Variant type: single nucleotide variant.
Coding change: c.2092+5G>A on transcript NM_020297.4 (MANE Select); 5 bases into the intron after coding-DNA position 2092, G replaced by A.
Molecular consequence: intron variant.
Genome position (GRCh38, 1-based): chr12:21,875,649, C>T on the plus strand (G>A on the coding strand, the complement: ABCC9 is on the minus strand). VCF-style: chr12-21875649-C-T. GRCh37 (hg19) VCF-style: chr12-22028583-C-T.
Other names: c.1228+5G>A (NM_001377274.1); c.2092+5G>A (NM_005691.4, NM_001377273.1).
Identifiers: ClinVar variation 510918 (VCV000510918.1), dbSNP rs763488230, ClinGen allele CA658797857.
Genomic context (GRCh38, chr12:21,875,649, plus strand): 5'-TTATCTTGGAAAACTATGGTTACGGTCATGAACAATTACAAAAATGCATAACAGATAACT[C>T]TTACCTGTTGGAATTCGAATATCTATATTGGATAATGTAGCTAAACCACTGCCCCATGAA-3'

ClinVar aggregate classification (germline): Likely benign (1 of 4 stars; one submission).

gnomAD v4.1: 3 of 1,595,050 alleles (0.00019%); highest among the groups gnomAD compares: East Asian, 0.0067%; no homozygotes.

Submission:

GeneDx
Classification: Likely benign. Last evaluated: 2017-08-10. Review status: criteria provided, single submitter. Criteria: GeneDx Variant Classification (06012015). Collection method: clinical testing. Allele origin: germline. Affected: yes.
Comment: This variant is considered likely benign or benign based on one or more of the following criteria: it is a conservative change, it occurs at a poorly conserved position in the protein, it is predicted to be benign by multiple in silico algorithms, and/or has population frequency not consistent with disease.